The following is an entry in ClinVar:

NM_000233.4(LHCGR):c.872A>G (p.Asn291Ser)

Genes: LHCGR (luteinizing hormone/choriogonadotropin receptor; minus strand), STON1-GTF2A1L (STON1-GTF2A1L readthrough; plus strand). Cytogenetic location: 2p16.3.
Variant type: single nucleotide variant.
Coding change: c.872A>G on transcript NM_000233.4 (MANE Select); coding-DNA position 872, A replaced by G.
Protein change: p.Asn291Ser; replaces asparagine 291 with serine.
Molecular consequence: missense variant. On other transcripts: intron variant (1).
Genome position (GRCh38, 1-based): chr2:48,694,299, T>C on the plus strand (A>G on the coding strand, the complement: LHCGR is on the minus strand). VCF-style: chr2-48694299-T-C. GRCh37 (hg19) VCF-style: chr2-48921438-T-C.
Other names: p.N291S:AAT>AGT; c.3441+22619T>C (NM_001198593.2); short protein forms N291S.
Identifiers: ClinVar variation 138116 (VCV000138116.16), dbSNP rs12470652, ClinGen allele CA291927.
Genomic context (GRCh38, chr2:48,694,299, plus strand): 5'-ACTTTCCTTACTGTGCTTTCACATTGTTTGGAAAAGTTTTCAGAAATGGAATGTGAAAAA[T>C]TCTGTCTGAAAGAGAAGAGGTTAAAAAAAGCATTTGAGCTTTTGGACTTCAGGCTAAACC-3'
Protein context (NP_000224.2, residues 281-301): AFRNLPTKEQ[Asn291Ser]FSHSISENFS

ClinVar aggregate classification (germline): Benign/Likely benign. Review status: criteria provided, multiple submitters, no conflicts (2 of 4 stars). 6 submissions from 6 submitters: Benign (5); Likely benign (1). Last evaluated 2026-01-25.

Conditions:
Gonadotropin-independent familial sexual precocity. Also called: TESTOTOXICOSIS, FAMILIAL; Familial male-limited precocious puberty. Identifiers: Orphanet 3000, MedGen C0342549, MONDO:0008303, OMIM 176410.

Allele frequency attached by ClinVar (database versions not stated): 1000 Genomes Project 30x 0.01124; 1000 Genomes Project 0.01198; TOPMed 0.03392; gnomAD 0.03749 and 0.03897; gnomAD exomes 0.03799 and 0.04909; ESP Exome Variant Server 0.04187; ExAC 0.05191.
gnomAD v4.1: 75,922 of 1,591,022 alleles (4.8%); highest among the groups gnomAD compares: Non-Finnish European, 5.6%; 2,122 homozygotes.

Submissions (6):

Labcorp Genetics (formerly Invitae), Labcorp
Classification: Benign. Last evaluated: 2026-01-25. Review status: criteria provided, single submitter. Criteria: Invitae Variant Classification Sherloc (09022015). Collection method: clinical testing. Allele origin: germline.

Blueprint Genetics
Classification: Likely benign. Last evaluated: 2024-11-26. Review status: criteria provided, single submitter. Criteria: ACMG Guidelines, 2015. Collection method: clinical testing. Allele origin: germline.

Athena Diagnostics
Classification: Benign. Last evaluated: 2024-11-18. Review status: criteria provided, single submitter. Criteria: Athena Diagnostics Criteria. Collection method: clinical testing. Allele origin: unknown.

Illumina Laboratory Services, Illumina
Classification: Benign for Gonadotropin-independent familial sexual precocity. Last evaluated: 2017-04-27. Review status: criteria provided, single submitter. Criteria: ICSL Variant Classification Criteria 13 December 2019. Collection method: clinical testing. Allele origin: germline.
Comment: This variant was observed as part of a predisposition screen in an ostensibly healthy population. A literature search was performed for the gene, cDNA change, and amino acid change (where applicable). No publications were found based on this search. Allele frequency data from public databases was too high to be consistent with this variant causing disease. Therefore, this variant is classified as benign.

GeneDx
Classification: Benign. Last evaluated: 2014-05-12. Review status: criteria provided, single submitter. Criteria: GeneDx Variant Classification (06012015). Collection method: clinical testing. Allele origin: germline. Affected: yes.
Comment: This variant is considered likely benign or benign based on one or more of the following criteria: it is a conservative change, it occurs at a poorly conserved position in the protein, it is predicted to be benign by multiple in silico algorithms, and/or has population frequency not consistent with disease.

Breakthrough Genomics
Classification: Benign. Review status: criteria provided, single submitter. Criteria: ACMG Guidelines, 2015. Collection method: not provided. Allele origin: germline. Inheritance: Autosomal recessive inheritance. Affected: yes.

Literature cited by the submitters: PubMed 17709176 (cited by Athena Diagnostics).